The following is an entry in ClinVar:

NM_000321.3(RB1):c.1063A>T (p.Arg355Ter)

Gene: RB1 (RB transcriptional corepressor 1; plus strand). Cytogenetic location: 13q14.2.
Variant type: single nucleotide variant.
Coding change: c.1063A>T on transcript NM_000321.3 (MANE Select); coding-DNA position 1063, A replaced by T.
Protein change: p.Arg355Ter; replaces arginine 355 with a stop codon.
Molecular consequence: nonsense.
Genome position (GRCh38, 1-based): chr13:48,368,540, A>T. VCF-style: chr13-48368540-A-T. GRCh37 (hg19) VCF-style: chr13-48942676-A-T.
Other names: c.1063A>T, p.Arg355Ter (NM_001407165.1, NM_001407166.1); short protein forms R355*.
Identifiers: ClinVar variation 4759384 (VCV004759384.1).

ClinVar aggregate classification (germline): Pathogenic (1 of 4 stars; one submission).

Conditions:
Hereditary retinoblastoma. Identifiers: Orphanet 357027, MedGen C0751483, MONDO:0018160.

Submission:

Ramesar Group, Division of Human Genetics, Institute of Infectious Diseases and Molecular Medicine, UCT/MRC Genomic and Precision Medicine Research Unit, University of Cape Town
Classification: Pathogenic for Hereditary retinoblastoma. Last evaluated: 2025-09-17. Review status: criteria provided, single submitter. Criteria: ACMG Guidelines, 2015. Collection method: research. Allele origin: germline. Affected: yes. Observed: 1 variant allele.
Comment: PVS1: Null variant (nonsense) in a gene (RB1) where LOF is a known mechanism of disease PM2: Absent from gnomAD PP4: Patient presents with bilateral retinoblastoma Not in ClinVar or the LOVD